The following is an entry in ClinVar:

NM_001205293.3(CACNA1E):c.3732-3C>T

Gene: CACNA1E (calcium voltage-gated channel subunit alpha1 E; plus strand). Cytogenetic location: 1q25.3.
Variant type: single nucleotide variant.
Coding change: c.3732-3C>T on transcript NM_001205293.3 (MANE Select); 3 bases into the intron before coding-DNA position 3732, C replaced by T.
Molecular consequence: intron variant.
Genome position (GRCh38, 1-based): chr1:181,752,140, C>T. VCF-style: chr1-181752140-C-T. GRCh37 (hg19) VCF-style: chr1-181721276-C-T.
Other names: c.3732-3C>T (NM_000721.4); c.3675-3C>T (NM_001205294.2).
Identifiers: ClinVar variation 2175171 (VCV002175171.4), dbSNP rs763822914, ClinGen allele CA1275712.

ClinVar aggregate classification (germline): Uncertain significance (1 of 4 stars; one submission).

Allele frequency attached by ClinVar (database versions not stated): ExAC 0.00001; gnomAD 0.00001; TOPMed 0.00002.

Submission:

Labcorp Genetics (formerly Invitae), Labcorp
Classification: Uncertain significance. Last evaluated: 2025-08-25. Review status: criteria provided, single submitter. Criteria: Invitae Variant Classification Sherloc (09022015). Collection method: clinical testing. Allele origin: germline.
Comment: This sequence change falls in intron 26 of the CACNA1E gene. It does not directly change the encoded amino acid sequence of the CACNA1E protein. It affects a nucleotide within the consensus splice site. This variant is present in population databases (rs763822914, gnomAD 0.007%). This variant has not been reported in the literature in individuals affected with CACNA1E-related conditions. ClinVar contains an entry for this variant (Variation ID: 2175171). Variants that disrupt the consensus splice site are a relatively common cause of aberrant splicing (PMID: 17576681, 9536098). Algorithms developed to predict the effect of sequence changes on RNA splicing suggest that this variant is not likely to affect RNA splicing. In summary, the available evidence is currently insufficient to determine the role of this variant in disease. Therefore, it has been classified as a Variant of Uncertain Significance.

Literature cited by the submitters: PubMed 17576681; PubMed 9536098.